The following is an entry in ClinVar:

ClinVar aggregate classification (germline): Uncertain significance (1 of 4 stars; one submission).

Submission:

CeGaT Center for Human Genetics Tuebingen
Classification: Uncertain significance. Last evaluated: 2023-12-01. Review status: criteria provided, single submitter. Criteria: CeGaT Center For Human Genetics Tuebingen Variant Classification Criteria Version 2. Collection method: clinical testing. Allele origin: germline. Affected: yes. Observed: 1 variant allele.
Comment: GABRA1: PM2, PP2

NM_001127644.2(GABRA1):c.614C>T (p.Ser205Leu)

Gene: GABRA1 (gamma-aminobutyric acid type A receptor subunit alpha1; plus strand). Cytogenetic location: 5q34.
Variant type: single nucleotide variant.
Coding change: c.614C>T on transcript NM_001127644.2 (MANE Select); coding-DNA position 614, C replaced by T.
Protein change: p.Ser205Leu; replaces serine 205 with leucine.
Molecular consequence: missense variant.
Genome position (GRCh38, 1-based): chr5:161,882,612, C>T. VCF-style: chr5-161882612-C-T. GRCh37 (hg19) VCF-style: chr5-161309618-C-T.
Other names: c.614C>T, p.Ser205Leu (NM_000806.5, NM_001127643.2, NM_001127645.2 and 1 more transcripts); short protein forms S205L.
Identifiers: ClinVar variation 3026633 (VCV003026633.22), dbSNP rs2532261816, ClinGen allele CA362179510.
Genomic context (GRCh38, chr5:161,882,612, plus strand): 5'-TTTTAGATGCTTATACAAGAGCAGAAGTTGTTTATGAATGGACCAGAGAGCCAGCACGCT[C>T]AGTGGTTGTAGCAGAAGATGGATCACGTCTAAACCAGTATGACCTTCTTGGACAAACAGT-3'
Protein context (NP_001121116.1, residues 195-215): VYEWTREPAR[Ser205Leu]VVVAEDGSRL